The following is an entry in ClinVar:

ClinVar aggregate classification (germline): Uncertain significance. Review status: criteria provided, multiple submitters, no conflicts (2 of 4 stars). 2 submissions from 2 submitters: Uncertain significance (2). Last evaluated 2026-04-20.

Conditions:
Bardet-Biedl syndrome 12 (BBS12). Identifiers: Orphanet 110, MedGen C1859570, MONDO:0014440, OMIM 615989.
BBS12-related disorder. Also called: BBS12-related condition.

gnomAD v4.1: 12 of 1,613,978 alleles (0.00074%); highest among the groups gnomAD compares: Admixed American, 0.0033%; no homozygotes.

Submissions (2):

PreventionGenetics, part of Exact Sciences
Classification: Uncertain significance for BBS12-related condition. Last evaluated: 2026-04-20. Review status: criteria provided, single submitter. Criteria: ACMG Guidelines, 2015. Collection method: clinical testing. Allele origin: germline.
Comment: The BBS12 c.641G>A variant is predicted to result in the amino acid substitution p.Arg214Gln. To our knowledge, this variant has not been reported in the literature. This variant is reported in 0.0050% of alleles in individuals of East Asian descent in gnomAD. At this time, the clinical significance of this variant is uncertain due to the absence of conclusive functional and genetic evidence.

Fulgent Genetics
Classification: Uncertain significance for Bardet-Biedl syndrome 12. Last evaluated: 2024-04-08. Review status: criteria provided, single submitter. Criteria: ACMG Guidelines, 2015. Collection method: clinical testing. Allele origin: germline.

NM_152618.3(BBS12):c.641G>A (p.Arg214Gln)

Gene: BBS12 (Bardet-Biedl syndrome 12; plus strand). Cytogenetic location: 4q27.
Variant type: single nucleotide variant.
Coding change: c.641G>A on transcript NM_152618.3 (MANE Select); coding-DNA position 641, G replaced by A.
Protein change: p.Arg214Gln; replaces arginine 214 with glutamine.
Molecular consequence: missense variant.
Genome position (GRCh38, 1-based): chr4:122,742,533, G>A. VCF-style: chr4-122742533-G-A. GRCh37 (hg19) VCF-style: chr4-123663688-G-A.
Other names: c.641G>A (NM_152618.2); c.641G>A, p.Arg214Gln (NM_001178007.2); short protein forms R214Q.
Identifiers: ClinVar variation 3589824 (VCV003589824.2).
Genomic context (GRCh38, chr4:122,742,533, plus strand): 5'-TTAAATCATATGAATTATTTAAACCTCAGACAAAGGTTGAAGCAGATAACAACACATCAC[G>A]AACTCTGAAAAACAGCCTGCTTGCAGATACCTGCTGCAGACAGTCAATACTAATCCACAG-3'
Protein context (NP_689831.2, residues 204-224): TKVEADNNTS[Arg214Gln]TLKNSLLADT